The following is an entry in ClinVar:

ClinVar aggregate classification (germline): Uncertain significance (1 of 4 stars; one submission).

Conditions:
Cone-rod dystrophy 6 (CORD6). Also called: RETINAL CONE DYSTROPHY 2; Cone dystrophy progressive. Identifiers: Orphanet 1872, MedGen C1866293, MONDO:0011143, OMIM 601777.
Leber congenital amaurosis 1 (LCA1). Also called: Congenital absence of the rods and cones; Leber's congenital tapetoretinal degeneration; Leber's congenital tapetoretinal dysplasia; RETINAL BLINDNESS, CONGENITAL; AMAUROSIS CONGENITA OF LEBER I. Identifiers: Orphanet 65, MedGen C2931258, MONDO:0008764, OMIM 204000.

Allele frequency attached by ClinVar (database versions not stated): gnomAD 0.00001; gnomAD exomes 0.00001; TOPMed 0.00001.

Submission:

Labcorp Genetics (formerly Invitae), Labcorp
Classification: Uncertain significance for Leber congenital amaurosis 1; Cone-rod dystrophy 6. Last evaluated: 2022-09-13. Review status: criteria provided, single submitter. Criteria: Invitae Variant Classification Sherloc (09022015). Collection method: clinical testing. Allele origin: germline.
Comment: The frequency data for this variant in the population databases is considered unreliable, as metrics indicate poor data quality at this position in the gnomAD database. In summary, the available evidence is currently insufficient to determine the role of this variant in disease. Therefore, it has been classified as a Variant of Uncertain Significance. Advanced modeling of protein sequence and biophysical properties (such as structural, functional, and spatial information, amino acid conservation, physicochemical variation, residue mobility, and thermodynamic stability) performed at Invitae indicates that this missense variant is not expected to disrupt GUCY2D protein function. ClinVar contains an entry for this variant (Variation ID: 1501707). This variant has not been reported in the literature in individuals affected with GUCY2D-related conditions. This sequence change replaces glutamic acid, which is acidic and polar, with lysine, which is basic and polar, at codon 1095 of the GUCY2D protein (p.Glu1095Lys).

NM_000180.4(GUCY2D):c.3283G>A (p.Glu1095Lys)

Gene: GUCY2D (guanylate cyclase 2D, retinal; plus strand). Cytogenetic location: 17p13.1.
Variant type: single nucleotide variant.
Coding change: c.3283G>A on transcript NM_000180.4 (MANE Select); coding-DNA position 3283, G replaced by A.
Protein change: p.Glu1095Lys; replaces glutamic acid 1095 with lysine.
Molecular consequence: missense variant.
Genome position (GRCh38, 1-based): chr17:8,016,501, G>A. VCF-style: chr17-8016501-G-A. GRCh37 (hg19) VCF-style: chr17-7919819-G-A.
Other names: short protein forms E1095K.
Identifiers: ClinVar variation 1501707 (VCV001501707.8), dbSNP rs1024155105, ClinGen allele CA287535412.